The following is an entry in ClinVar:

ClinVar aggregate classification (germline): Likely benign (1 of 4 stars; one submission).

Conditions:
TRAPPC6A-related disorder. Also called: TRAPPC6A-related condition.

gnomAD v4.1: 346 of 1,574,594 alleles (0.022%); highest among the groups gnomAD compares: African/African-American, 0.29%; no homozygotes.

Submission:

PreventionGenetics, part of Exact Sciences
Classification: Likely benign for TRAPPC6A-related condition. Last evaluated: 2025-02-27. Review status: criteria provided, single submitter. Criteria: ACMG Guidelines, 2015. Collection method: clinical testing. Allele origin: germline.
Comment: This variant is classified as likely benign based on ACMG/AMP sequence variant interpretation guidelines (Richards et al. 2015 PMID: 25741868, with internal and published modifications).

NM_001270891.2(TRAPPC6A):c.372C>T (p.Cys124=)

Genes: TRAPPC6A (trafficking protein particle complex subunit 6A; minus strand), LOC130064678 (ATAC-STARR-seq lymphoblastoid active region 14787; plus strand). Cytogenetic location: 19q13.32.
Variant type: single nucleotide variant.
Coding change: c.372C>T on transcript NM_001270891.2 (MANE Select); coding-DNA position 372, C replaced by T.
Protein change: p.Cys124=; no amino-acid change (cysteine 124 retained).
Molecular consequence: synonymous variant. On other transcripts: missense variant (2).
Genome position (GRCh38, 1-based): chr19:45,163,992, G>A on the plus strand (C>T on the coding strand, the complement: TRAPPC6A is on the minus strand). VCF-style: chr19-45163992-G-A. GRCh37 (hg19) VCF-style: chr19-45667250-G-A.
Other names: c.346C>T, p.Arg116Trp (NM_001270892.2); c.304C>T, p.Arg102Trp (NM_001270893.2); c.414C>T, p.Cys138= (NM_024108.3); short protein forms R116W, R102W.
Identifiers: ClinVar variation 4980788 (VCV004980788.1).